The following is an entry in ClinVar:

NM_001943.5(DSG2):c.1759dup (p.Thr587fs)

Gene: DSG2 (desmoglein 2; plus strand). Cytogenetic location: 18q12.1.
Variant type: Duplication.
Coding change: c.1759dup on transcript NM_001943.5 (MANE Select); coding-DNA position 1759, one base duplicated (A; older notation c.1759dupA).
Protein change: p.Thr587fs; shifts the reading frame from threonine 587.
Molecular consequence: frameshift variant.
Genome position (GRCh38, 1-based): chr18:31,538,858, A duplicated. VCF-style (leftmost placement, unchanged base first): chr18-31538857-T-TA. GRCh37 (hg19) VCF-style: chr18-29118820-T-TA.
Other names: short protein forms T587fs.
Identifiers: ClinVar variation 2024795 (VCV002024795.4), dbSNP rs1342580910, ClinGen allele CA629453711.

ClinVar aggregate classification (germline): Pathogenic (1 of 4 stars; one submission).

Conditions:
Arrhythmogenic right ventricular dysplasia 10. Also called: Arrhythmogenic Right Ventricular Dysplasia/Cardiomyopathy10; Arrhythmogenic right ventricular dysplasia/cardiomyopathy, type 10; ARRHYTHMOGENIC RIGHT VENTRICULAR DYSPLASIA, FAMILIAL, 10. Identifiers: MedGen C1857777, MONDO:0012434, OMIM 610193.

Allele frequency attached by ClinVar (database versions not stated): gnomAD exomes below 0.00001.

Submission:

Labcorp Genetics (formerly Invitae), Labcorp
Classification: Pathogenic for Arrhythmogenic right ventricular dysplasia 10. Last evaluated: 2022-09-03. Review status: criteria provided, single submitter. Criteria: Invitae Variant Classification Sherloc (09022015). Collection method: clinical testing. Allele origin: germline.
Comment: For these reasons, this variant has been classified as Pathogenic. This variant has not been reported in the literature in individuals affected with DSG2-related conditions. This variant is present in population databases (no rsID available, gnomAD 0.003%). This sequence change creates a premature translational stop signal (p.Thr587Asnfs*6) in the DSG2 gene. It is expected to result in an absent or disrupted protein product. Loss-of-function variants in DSG2 are known to be pathogenic (PMID: 17105751, 31386562).

Literature cited by the submitters: PubMed 17105751; PubMed 31386562.